The following is an entry in ClinVar:

NM_001035.3(RYR2):c.8880C>G (p.Ile2960Met)

Gene: RYR2 (ryanodine receptor 2; plus strand). Cytogenetic location: 1q43.
Variant type: single nucleotide variant.
Coding change: c.8880C>G on transcript NM_001035.3 (MANE Select); coding-DNA position 8880, C replaced by G.
Protein change: p.Ile2960Met; replaces isoleucine 2960 with methionine.
Molecular consequence: missense variant.
Genome position (GRCh38, 1-based): chr1:237,678,097, C>G. VCF-style: chr1-237678097-C-G. GRCh37 (hg19) VCF-style: chr1-237841397-C-G.
Other names: short protein forms I2960M.
Identifiers: ClinVar variation 2446171 (VCV002446171.3), dbSNP rs1573480855, ClinGen allele CA345403696.

ClinVar aggregate classification (germline): Uncertain significance. Review status: criteria provided, multiple submitters, no conflicts (2 of 4 stars). 2 submissions from 2 submitters: Uncertain significance (2). Last evaluated 2024-04-06.

Conditions:
Catecholaminergic polymorphic ventricular tachycardia 1. Also called: VENTRICULAR TACHYCARDIA, STRESS-INDUCED POLYMORPHIC 1; VENTRICULAR TACHYCARDIA, CATECHOLAMINERGIC POLYMORPHIC, 1, WITH OR WITHOUT ATRIAL DYSFUNCTION AND/OR DILATED CARDIOMYOPATHY; RYR2-Related Catecholaminergic Polymorphic Ventricular Tachycardia. Identifiers: Orphanet 3286, MedGen C1631597, MONDO:0011484, OMIM 604772.

Submissions (2):

Labcorp Genetics (formerly Invitae), Labcorp
Classification: Uncertain significance for Catecholaminergic polymorphic ventricular tachycardia 1. Last evaluated: 2024-04-06. Review status: criteria provided, single submitter. Criteria: Invitae Variant Classification Sherloc (09022015). Collection method: clinical testing. Allele origin: germline.
Comment: This sequence change replaces isoleucine, which is neutral and non-polar, with methionine, which is neutral and non-polar, at codon 2960 of the RYR2 protein (p.Ile2960Met). This variant is not present in population databases (gnomAD no frequency). This variant has not been reported in the literature in individuals affected with RYR2-related conditions. ClinVar contains an entry for this variant (Variation ID: 2446171). Advanced modeling of protein sequence and biophysical properties (such as structural, functional, and spatial information, amino acid conservation, physicochemical variation, residue mobility, and thermodynamic stability) performed at Invitae indicates that this missense variant is not expected to disrupt RYR2 protein function with a negative predictive value of 95%. In summary, the available evidence is currently insufficient to determine the role of this variant in disease. Therefore, it has been classified as a Variant of Uncertain Significance.

GeneDx
Classification: Uncertain significance. Last evaluated: 2022-09-23. Review status: criteria provided, single submitter. Criteria: GeneDx Variant Classification Process June 2021. Collection method: clinical testing. Allele origin: germline. Affected: yes.
Comment: Not observed at significant frequency in large population cohorts (gnomAD); In silico analysis supports that this missense variant has a deleterious effect on protein structure/function; Has not been previously published as pathogenic or benign to our knowledge